The following is an entry in ClinVar:

NM_015189.3(EXOC6B):c.1609A>T (p.Thr537Ser)

Gene: EXOC6B (exocyst complex component 6B; minus strand). Cytogenetic location: 2p13.2.
Variant type: single nucleotide variant.
Coding change: c.1609A>T on transcript NM_015189.3 (MANE Select); coding-DNA position 1609, A replaced by T.
Protein change: p.Thr537Ser; replaces threonine 537 with serine.
Molecular consequence: missense variant. On other transcripts: non-coding transcript variant (2).
Genome position (GRCh38, 1-based): chr2:72,492,374, T>A on the plus strand (A>T on the coding strand, the complement: EXOC6B is on the minus strand). VCF-style: chr2-72492374-T-A. GRCh37 (hg19) VCF-style: chr2-72719503-T-A.
Other names: c.1609A>T, p.Thr537Ser (NM_001321729.2, NM_001321730.2, NM_001321731.2 and 1 more transcripts); c.1270A>T, p.Thr424Ser (NM_001321734.2); c.1609A>T (NM_015189.1); short protein forms T424S, T537S.
Identifiers: ClinVar variation 1413222 (VCV001413222.4), dbSNP rs762765789, ClinGen allele CA1708398.

ClinVar aggregate classification (germline): Uncertain significance. Review status: criteria provided, multiple submitters, no conflicts (2 of 4 stars). 2 submissions from 2 submitters: Uncertain significance (2). Last evaluated 2022-09-29.

Allele frequency attached by ClinVar (database versions not stated): TOPMed 0.00002; ExAC 0.00003; gnomAD exomes 0.00004.
gnomAD v4.1: 18 of 1,613,098 alleles (0.0011%); highest among the groups gnomAD compares: Admixed American, 0.015%; no homozygotes.

Submissions (2):

Ambry Genetics
Classification: Uncertain significance. Last evaluated: 2022-09-29. Review status: criteria provided, single submitter. Criteria: Ambry Variant Classification Scheme 2023. Collection method: clinical testing. Allele origin: germline.

Labcorp Genetics (formerly Invitae), Labcorp
Classification: Uncertain significance. Last evaluated: 2022-07-05. Review status: criteria provided, single submitter. Criteria: Invitae Variant Classification Sherloc (09022015). Collection method: clinical testing. Allele origin: germline.
Comment: This sequence change replaces threonine, which is neutral and polar, with serine, which is neutral and polar, at codon 537 of the EXOC6B protein (p.Thr537Ser). This variant is present in population databases (rs762765789, gnomAD 0.01%). This variant has not been reported in the literature in individuals affected with EXOC6B-related conditions. ClinVar contains an entry for this variant (Variation ID: 1413222). Experimental studies and prediction algorithms are not available or were not evaluated, and the functional significance of this variant is currently unknown. In summary, the available evidence is currently insufficient to determine the role of this variant in disease. Therefore, it has been classified as a Variant of Uncertain Significance.